The following is an entry in ClinVar:

NM_181672.3(OGT):c.873T>C (p.His291=)

Gene: OGT (O-linked N-acetylglucosamine (GlcNAc) transferase; plus strand). Cytogenetic location: Xq13.1.
Variant type: single nucleotide variant.
Coding change: c.873T>C on transcript NM_181672.3 (MANE Select); coding-DNA position 873, T replaced by C.
Protein change: p.His291=; no amino-acid change (histidine 291 retained).
Molecular consequence: synonymous variant.
Genome position (GRCh38, 1-based): chrX:71,555,334, T>C. VCF-style: chrX-71555334-T-C. GRCh37 (hg19) VCF-style: chrX-70775184-T-C.
Other names: c.843T>C, p.His281= (NM_181673.3).
Identifiers: ClinVar variation 3772528 (VCV003772528.13).
Genomic context (GRCh38, chrX:71,555,334, plus strand): 5'-GCAAGGCCTGATAGATCTGGCAATAGACACCTACAGGCGGGCTATCGAACTACAACCACA[T>C]TTCCCTGATGCTTACTGCAACCTAGCCAATGCTCTCAAAGAGAAGGGCAGTGTAAGGATT-3'
Protein context (NP_858058.1, residues 281-301): TYRRAIELQP[His291=]FPDAYCNLAN

ClinVar aggregate classification (germline): Likely benign (1 of 4 stars; one submission).

Submission:

CeGaT Center for Human Genetics Tuebingen
Classification: Likely benign. Last evaluated: 2025-02-01. Review status: criteria provided, single submitter. Criteria: CeGaT Center For Human Genetics Tuebingen Variant Classification Criteria Version 2. Collection method: clinical testing. Allele origin: germline. Affected: yes. Observed: 1 variant allele.
Comment: OGT: BP4, BP7